The following is an entry in ClinVar:

NM_001142800.2(EYS):c.5896del (p.Asp1966fs)

Gene: EYS (EGF-like photoreceptor maintenance factor; minus strand). Cytogenetic location: 6q12.
Variant type: Deletion.
Coding change: c.5896del on transcript NM_001142800.2 (MANE Select); coding-DNA position 5896, one base deleted (G; older notation c.5896delG).
Protein change: p.Asp1966fs; shifts the reading frame from aspartic acid 1966.
Molecular consequence: frameshift variant.
Genome position (GRCh38, 1-based): chr6:64,436,205, C deleted on the plus strand (G on the coding strand, the reverse complement: EYS is on the minus strand); the first of 2 consecutive C bases (chr6:64,436,205-64,436,206); deleting either gives the same sequence. VCF-style (leftmost placement, unchanged base first): chr6-64436204-TC-T. GRCh37 (hg19) VCF-style: chr6-65146097-TC-T.
Other names: c.5896del, p.Asp1966fs (NM_001292009.2); short protein forms D1966fs.
Identifiers: ClinVar variation 5003551 (VCV005003551.1).

ClinVar aggregate classification (germline): Pathogenic (1 of 4 stars; one submission).

Conditions:
Retinitis pigmentosa 25 (RP25). Identifiers: Orphanet 791, MedGen C1864446, MONDO:0011272, OMIM 602772.

Submission:

Myriad Genetics, Inc.
Classification: Pathogenic for Retinitis pigmentosa 25. Last evaluated: 2025-08-15. Review status: criteria provided, single submitter. Criteria: Myriad Autosomal Dominant, Autosomal Recessive and X-Linked Classification Criteria (2023). Collection method: clinical testing. Allele origin: unknown.
Comment: NM_001142800.1(EYS):c.5896delG(D1966Tfs*21) is a frameshift variant classified as pathogenic in the context of retinitis pigmentosa, EYS-related. D1966Tfs*21 has not been observed in cases with relevant disease. Relevant functional assessments of this variant are not available in the literature. D1966Tfs*21 has not been observed in referenced population frequency databases. In summary, NM_001142800.1(EYS):c.5896delG(D1966Tfs*21) is a frameshift variant in a gene where loss of function is a known mechanism of disease and is predicted to disrupt protein function. Please note: this variant was assessed in the context of healthy population screening.